The following is an entry in ClinVar:

NM_000525.4(KCNJ11):c.430C>G (p.Leu144Val)

Gene: KCNJ11 (potassium inwardly rectifying channel subfamily J member 11; minus strand). Cytogenetic location: 11p15.1.
Variant type: single nucleotide variant.
Coding change: c.430C>G on transcript NM_000525.4 (MANE Select); coding-DNA position 430, C replaced by G.
Protein change: p.Leu144Val; replaces leucine 144 with valine.
Molecular consequence: missense variant.
Genome position (GRCh38, 1-based): chr11:17,387,662, G>C on the plus strand (C>G on the coding strand, the complement: KCNJ11 is on the minus strand). VCF-style: chr11-17387662-G-C. GRCh37 (hg19) VCF-style: chr11-17409209-G-C.
Other names: c.169C>G, p.Leu57Val (NM_001166290.2, NM_001377296.1, NM_001377297.1); c.430C>G (NM_000525.3); short protein forms L144V, L57V.
Identifiers: ClinVar variation 2192005 (VCV002192005.3), dbSNP rs1953586245, ClinGen allele CA379773788.

ClinVar aggregate classification (germline): Uncertain significance. Review status: criteria provided, multiple submitters, no conflicts (2 of 4 stars). 3 submissions from 3 submitters: Uncertain significance (3). Last evaluated 2024-03-29.

Conditions:
Hyperinsulinemic hypoglycemia, familial, 2. Also called: HYPERINSULINEMIC HYPOGLYCEMIA, PERSISTENT; HYPERINSULINISM, NEONATAL. Identifiers: Orphanet 276580, Orphanet 276603, MedGen C2931833, MONDO:0011153, OMIM 601820. Disease mechanism: loss of function.
Diabetes mellitus, permanent neonatal 2. Also called: KCNJ11-Related Permanent Neonatal Diabetes Mellitus. Identifiers: MedGen C5394296, MONDO:0030087, OMIM 618856.
Diabetes mellitus, transient neonatal, 3 (TNDM3). Identifiers: Orphanet 99886, MedGen C1864623, MONDO:0012522, OMIM 610582. Disease mechanism: loss of function.
Type 2 diabetes mellitus. Also called: Type II diabetes mellitus. Identifiers: MedGen C0011860, MeSH D003924, MONDO:0005148, OMIM 125853, HP:0005978.
Maturity-onset diabetes of the young type 13. Also called: MODY, TYPE 13. Identifiers: Orphanet 552, MedGen C4225365, MONDO:0014589, OMIM 616329.

Allele frequency attached by ClinVar (database versions not stated): gnomAD exomes below 0.00001; TOPMed below 0.00001.

Submissions (3):

Fulgent Genetics
Classification: Uncertain significance for Type 2 diabetes mellitus; Hyperinsulinemic hypoglycemia, familial, 2; Diabetes mellitus, transient neonatal, 3; Maturity-onset diabetes of the young type 13; Diabetes mellitus, permanent neonatal 2. Last evaluated: 2024-03-29. Review status: criteria provided, single submitter. Criteria: ACMG Guidelines, 2015. Collection method: clinical testing. Allele origin: germline.

Revvity Omics, Revvity
Classification: Uncertain significance. Last evaluated: 2023-12-27. Review status: criteria provided, single submitter. Criteria: ACMG Guidelines, 2015. Collection method: clinical testing. Allele origin: germline.

Labcorp Genetics (formerly Invitae), Labcorp
Classification: Uncertain significance. Last evaluated: 2022-03-25. Review status: criteria provided, single submitter. Criteria: Invitae Variant Classification Sherloc (09022015). Collection method: clinical testing. Allele origin: germline.
Comment: This sequence change replaces leucine, which is neutral and non-polar, with valine, which is neutral and non-polar, at codon 144 of the KCNJ11 protein (p.Leu144Val). This variant is not present in population databases (gnomAD no frequency). This variant has not been reported in the literature in individuals affected with KCNJ11-related conditions. Algorithms developed to predict the effect of missense changes on protein structure and function are either unavailable or do not agree on the potential impact of this missense change (SIFT: "Deleterious"; PolyPhen-2: "Benign"; Align-GVGD: "Class C0"). In summary, the available evidence is currently insufficient to determine the role of this variant in disease. Therefore, it has been classified as a Variant of Uncertain Significance.